The following is an entry in ClinVar:

NM_001805.4(CEBPE):c.138C>T (p.Ile46=)

Gene: CEBPE (CCAAT enhancer binding protein epsilon; minus strand). Cytogenetic location: 14q11.2.
Variant type: single nucleotide variant.
Coding change: c.138C>T on transcript NM_001805.4 (MANE Select); coding-DNA position 138, C replaced by T.
Protein change: p.Ile46=; no amino-acid change (isoleucine 46 retained).
Molecular consequence: synonymous variant.
Genome position (GRCh38, 1-based): chr14:23,118,954, G>A on the plus strand (C>T on the coding strand, the complement: CEBPE is on the minus strand). VCF-style: chr14-23118954-G-A. GRCh37 (hg19) VCF-style: chr14-23588163-G-A.
Identifiers: ClinVar variation 2895782 (VCV002895782.9), dbSNP rs201515929, ClinGen allele CA7111284.

ClinVar aggregate classification (germline): Likely benign. Review status: criteria provided, multiple submitters, no conflicts (2 of 4 stars). 2 submissions from 2 submitters: Likely benign (2). Last evaluated 2025-11-01.

Conditions:
Specific granule deficiency. Identifiers: Orphanet 169142, MedGen C0398593, MONDO:0009506.

Allele frequency attached by ClinVar (database versions not stated): TOPMed below 0.00001; ExAC 0.00002.
gnomAD v4.1: 5 of 1,613,958 alleles (0.00031%); highest among the groups gnomAD compares: Non-Finnish European, 0.00042%; no homozygotes.

Submissions (2):

CeGaT Center for Human Genetics Tuebingen
Classification: Likely benign. Last evaluated: 2025-11-01. Review status: criteria provided, single submitter. Criteria: CeGaT Center For Human Genetics Tuebingen Variant Classification Criteria Version 2. Collection method: clinical testing. Allele origin: germline. Affected: yes. Observed: 1 variant allele.
Comment: CEBPE: BP4, BP7

Labcorp Genetics (formerly Invitae), Labcorp
Classification: Likely benign for Specific granule deficiency. Last evaluated: 2025-08-16. Review status: criteria provided, single submitter. Criteria: Invitae Variant Classification Sherloc (09022015). Collection method: clinical testing. Allele origin: germline.